The following is an entry in ClinVar:

NM_004304.5(ALK):c.1009T>C (p.Trp337Arg)

Gene: ALK (ALK receptor tyrosine kinase; minus strand). Cytogenetic location: 2p23.2.
Variant type: single nucleotide variant.
Coding change: c.1009T>C on transcript NM_004304.5 (MANE Select); coding-DNA position 1009, T replaced by C.
Protein change: p.Trp337Arg; replaces tryptophan 337 with arginine.
Molecular consequence: missense variant.
Genome position (GRCh38, 1-based): chr2:29,532,060, A>G on the plus strand (T>C on the coding strand, the complement: ALK is on the minus strand). VCF-style: chr2-29532060-A-G. GRCh37 (hg19) VCF-style: chr2-29754926-A-G.
Other names: c.1009T>C (NM_004304.4); short protein forms W337R.
Identifiers: ClinVar variation 1034976 (VCV001034976.13), dbSNP rs886726765, ClinGen allele CA44957098.

ClinVar aggregate classification (germline): Uncertain significance. Review status: criteria provided, multiple submitters, no conflicts (2 of 4 stars). 4 submissions from 4 submitters: Uncertain significance (4). Last evaluated 2024-10-12.

Conditions:
Hereditary cancer-predisposing syndrome. Also called: Neoplastic Syndromes, Hereditary; Hereditary Cancer Syndrome; Tumor predisposition; Hereditary neoplastic syndrome. Identifiers: Orphanet 140162, MedGen C0027672, MeSH D009386, MONDO:0015356.
Neuroblastoma, susceptibility to, 3. Also called: ALK-Related Neuroblastic Tumor Susceptibility. Identifiers: Orphanet 635, MedGen C2751681, MONDO:0013083, OMIM 613014.

Allele frequency attached by ClinVar (database versions not stated): gnomAD exomes below 0.00001; TOPMed 0.00001.
gnomAD v4.1: 2 of 1,614,036 alleles (0.00012%); highest among the groups gnomAD compares: African/African-American, 0.0027%; no homozygotes.

Submissions (4):

Ambry Genetics
Classification: Uncertain significance for Hereditary cancer-predisposing syndrome. Last evaluated: 2024-10-12. Review status: criteria provided, single submitter. Criteria: Ambry Variant Classification Scheme 2023. Collection method: clinical testing. Allele origin: germline.
Comment: The p.W337R variant (also known as c.1009T>C), located in coding exon 4 of the ALK gene, results from a T to C substitution at nucleotide position 1009. The tryptophan at codon 337 is replaced by arginine, an amino acid with dissimilar properties. This amino acid position is conserved. In addition, the in silico prediction for this alteration is inconclusive. Based on the available evidence, the clinical significance of this variant remains unclear.

Labcorp Genetics (formerly Invitae), Labcorp
Classification: Uncertain significance for Neuroblastoma, susceptibility to, 3. Last evaluated: 2023-08-16. Review status: criteria provided, single submitter. Criteria: Invitae Variant Classification Sherloc (09022015). Collection method: clinical testing. Allele origin: germline.
Comment: In summary, the available evidence is currently insufficient to determine the role of this variant in disease. Therefore, it has been classified as a Variant of Uncertain Significance. An algorithm developed to predict the effect of missense changes on protein structure and function (PolyPhen-2) suggests that this variant is likely to be disruptive. ClinVar contains an entry for this variant (Variation ID: 1034976). This variant has not been reported in the literature in individuals affected with ALK-related conditions. This variant is not present in population databases (gnomAD no frequency). This sequence change replaces tryptophan, which is neutral and slightly polar, with arginine, which is basic and polar, at codon 337 of the ALK protein (p.Trp337Arg).

Baylor Genetics
Classification: Uncertain significance for Neuroblastoma, susceptibility to, 3. Last evaluated: 2023-05-21. Review status: criteria provided, single submitter. Criteria: ACMG Guidelines, 2015. Collection method: clinical testing. Allele origin: unknown.

Sema4
Classification: Uncertain significance for Hereditary cancer-predisposing syndrome. Last evaluated: 2021-04-23. Review status: criteria provided, single submitter. Criteria: Sema4 Curation Guidelines. Collection method: curation. Allele origin: germline.
Comment: The ALK c.1009T>C (p.W337R) variant has not been reported in the literature to our knowledge. It was not observed in the large and broad cohorts of the Genome Aggregation Database (PMID: 32461654). This variant has been reported in ClinVar (Variation ID 1034976). Functional studies have not been performed, and in silico predictions of the variant's effect on protein function are inconclusive. The evidence is insufficient to meet ACMG/AMP criteria for classifying the variant as benign or pathogenic. Thus, the clinical significance of this variant is currently uncertain.